The following is an entry in ClinVar:

NM_012418.4(FSCN2):c.311C>G (p.Ser104Cys)

Gene: FSCN2 (fascin actin-bundling protein 2, retinal; plus strand). Cytogenetic location: 17q25.3.
Variant type: single nucleotide variant.
Coding change: c.311C>G on transcript NM_012418.4 (MANE Select); coding-DNA position 311, C replaced by G.
Protein change: p.Ser104Cys; replaces serine 104 with cysteine.
Molecular consequence: missense variant.
Genome position (GRCh38, 1-based): chr17:81,528,842, C>G. VCF-style: chr17-81528842-C-G. GRCh37 (hg19) VCF-style: chr17-79495868-C-G.
Other names: c.311C>G, p.Ser104Cys (NM_001077182.3); short protein forms S104C.
Identifiers: ClinVar variation 3688810 (VCV003688810.2).

ClinVar aggregate classification (germline): Uncertain significance (1 of 4 stars; one submission).

Submission:

Labcorp Genetics (formerly Invitae), Labcorp
Classification: Uncertain significance. Last evaluated: 2024-03-19. Review status: criteria provided, single submitter. Criteria: Invitae Variant Classification Sherloc (09022015). Collection method: clinical testing. Allele origin: germline.
Comment: This sequence change replaces serine, which is neutral and polar, with cysteine, which is neutral and slightly polar, at codon 104 of the FSCN2 protein (p.Ser104Cys). This variant is not present in population databases (gnomAD no frequency). This variant has not been reported in the literature in individuals affected with FSCN2-related conditions. An algorithm developed to predict the effect of missense changes on protein structure and function (PolyPhen-2) suggests that this variant is likely to be disruptive. In summary, the available evidence is currently insufficient to determine the role of this variant in disease. Therefore, it has been classified as a Variant of Uncertain Significance.